The following is an entry in ClinVar:

ClinVar aggregate classification (germline): Uncertain significance. Review status: criteria provided, multiple submitters, no conflicts (2 of 4 stars). 2 submissions from 2 submitters: Uncertain significance (2). Last evaluated 2023-12-27.

Conditions:
Oligodontia-cancer predisposition syndrome. Also called: TOOTH AGENESIS-COLORECTAL CANCER SYNDROME. Identifiers: Orphanet 300576, MedGen C1837750, MONDO:0012075, OMIM 608615. Disease mechanism: loss of function.
Hereditary cancer-predisposing syndrome. Also called: Hereditary Cancer Syndrome; Tumor predisposition; Hereditary neoplastic syndrome; Neoplastic Syndromes, Hereditary. Identifiers: Orphanet 140162, MedGen C0027672, MeSH D009386, MONDO:0015356.

gnomAD v4.1: 1 of 1,614,182 alleles (0.000062%); highest among the groups gnomAD compares: South Asian, 0.0011%; no homozygotes.

Submissions (2):

Labcorp Genetics (formerly Invitae), Labcorp
Classification: Uncertain significance for Oligodontia-cancer predisposition syndrome. Last evaluated: 2023-12-27. Review status: criteria provided, single submitter. Criteria: Invitae Variant Classification Sherloc (09022015). Collection method: clinical testing. Allele origin: germline.
Comment: This sequence change replaces arginine, which is basic and polar, with glutamine, which is neutral and polar, at codon 96 of the AXIN2 protein (p.Arg96Gln). This variant is not present in population databases (gnomAD no frequency). This variant has not been reported in the literature in individuals affected with AXIN2-related conditions. ClinVar contains an entry for this variant (Variation ID: 2190078). Advanced modeling of protein sequence and biophysical properties (such as structural, functional, and spatial information, amino acid conservation, physicochemical variation, residue mobility, and thermodynamic stability) has been performed at Invitae for this missense variant, however the output from this modeling did not meet the statistical confidence thresholds required to predict the impact of this variant on AXIN2 protein function. In summary, the available evidence is currently insufficient to determine the role of this variant in disease. Therefore, it has been classified as a Variant of Uncertain Significance.

Ambry Genetics
Classification: Uncertain significance for Hereditary cancer-predisposing syndrome. Last evaluated: 2023-02-15. Review status: criteria provided, single submitter. Criteria: Ambry Variant Classification Scheme 2023. Collection method: clinical testing. Allele origin: germline.
Comment: The p.R96Q variant (also known as c.287G>A), located in coding exon 1 of the AXIN2 gene, results from a G to A substitution at nucleotide position 287. The arginine at codon 96 is replaced by glutamine, an amino acid with highly similar properties. This amino acid position is conserved. In addition, this alteration is predicted to be tolerated by in silico analysis. Since supporting evidence is limited at this time, the clinical significance of this alteration remains unclear.

NM_004655.4(AXIN2):c.287G>A (p.Arg96Gln)

Gene: AXIN2 (axin 2; minus strand). Cytogenetic location: 17q24.1.
Variant type: single nucleotide variant.
Coding change: c.287G>A on transcript NM_004655.4 (MANE Select); coding-DNA position 287, G replaced by A.
Protein change: p.Arg96Gln; replaces arginine 96 with glutamine.
Molecular consequence: missense variant.
Genome position (GRCh38, 1-based): chr17:65,558,334, C>T on the plus strand (G>A on the coding strand, the complement: AXIN2 is on the minus strand). VCF-style: chr17-65558334-C-T. GRCh37 (hg19) VCF-style: chr17-63554452-C-T.
Other names: c.287G>A, p.Arg96Gln (NM_001363813.1); short protein forms R96Q.
Identifiers: ClinVar variation 2190078 (VCV002190078.6), dbSNP rs2544252783, ClinGen allele CA400681733.
Genomic context (GRCh38, chr17:65,558,334, plus strand): 5'-CCATTGCAGGCAAACCAGAAGTCTAAGGTATCCACGCATTTCTCCCTCTCCAGGAAAGTT[C>T]GGAACAGGTAAGCACCGTCTTGATCGCCCAATAAGGAGTGTAAGGACTTGGTCCACCGGG-3'
Protein context (NP_004646.3, residues 86-106): LGDQDGAYLF[Arg96Gln]TFLEREKCVD